The following is an entry in ClinVar:

ClinVar aggregate classification (germline): Uncertain significance. Review status: criteria provided, multiple submitters, no conflicts (2 of 4 stars). 2 submissions from 2 submitters: Uncertain significance (2). Last evaluated 2026-09-04.

Conditions:
Hereditary cancer-predisposing syndrome. Also called: Neoplastic Syndromes, Hereditary; Hereditary Cancer Syndrome; Tumor predisposition; Hereditary neoplastic syndrome. Identifiers: Orphanet 140162, MedGen C0027672, MeSH D009386, MONDO:0015356.

Submissions (2):

Ambry Genetics
Classification: Uncertain significance for Hereditary cancer-predisposing syndrome. Last evaluated: 2026-09-04. Review status: criteria provided, single submitter. Criteria: Ambry Variant Classification Scheme 2023. Collection method: clinical testing. Allele origin: germline.
Comment: The p.R1179G variant (also known as c.3535A>G), located in coding exon 23 of the RAD50 gene, results from an A to G substitution at nucleotide position 3535. The arginine at codon 1179 is replaced by glycine, an amino acid with dissimilar properties. This amino acid position is conserved. In addition, this alteration is predicted to be deleterious by in silico analysis. Based on the available evidence, the clinical significance of this variant remains unclear.

Labcorp Genetics (formerly Invitae), Labcorp
Classification: Uncertain significance for Hereditary cancer-predisposing syndrome. Last evaluated: 2020-07-08. Review status: criteria provided, single submitter. Criteria: Invitae Variant Classification Sherloc (09022015). Collection method: clinical testing. Allele origin: germline.
Comment: In summary, the available evidence is currently insufficient to determine the role of this variant in disease. Therefore, it has been classified as a Variant of Uncertain Significance. Algorithms developed to predict the effect of sequence changes on RNA splicing suggest that this variant may create or strengthen a splice site, but this prediction has not been confirmed by published transcriptional studies. Algorithms developed to predict the effect of missense changes on protein structure and function are either unavailable or do not agree on the potential impact of this missense change (SIFT: "Tolerated"; PolyPhen-2: "Probably Damaging"; Align-GVGD: "Class C0"). This variant has not been reported in the literature in individuals with RAD50-related conditions. This variant is not present in population databases (ExAC no frequency). This sequence change replaces arginine with glycine at codon 1179 of the RAD50 protein (p.Arg1179Gly). The arginine residue is moderately conserved and there is a moderate physicochemical difference between arginine and glycine.

NM_005732.4(RAD50):c.3535A>G (p.Arg1179Gly)

Genes: RAD50 (RAD50 double strand break repair protein; plus strand), TH2-LCR (Th2 cytokine locus control region; plus strand), TH2LCRR (T helper type 2 locus control region associated RNA; minus strand). Cytogenetic location: 5q31.1.
Variant type: single nucleotide variant.
Coding change: c.3535A>G on transcript NM_005732.4 (MANE Select); coding-DNA position 3535, A replaced by G.
Protein change: p.Arg1179Gly; replaces arginine 1179 with glycine.
Molecular consequence: missense variant. On other transcripts: non-coding transcript variant (2).
Genome position (GRCh38, 1-based): chr5:132,638,140, A>G. VCF-style: chr5-132638140-A-G. GRCh37 (hg19) VCF-style: chr5-131973832-A-G.
Other names: short protein forms R1179G.
Identifiers: ClinVar variation 967809 (VCV000967809.11), dbSNP rs1751631624, ClinGen allele CA360931870.
Genomic context (GRCh38, chr5:132,638,140, plus strand): 5'-GATATTGAATACATAGAAATACGGTCTGATGCCGATGAAAATGTATCAGCTTCTGATAAA[A>G]GGCGGAATTATAACTACCGAGTGGTGATGCTGAAGGGAGACACAGCCTTGGATATGCGAG-3'
Protein context (NP_005723.2, residues 1169-1189): ADENVSASDK[Arg1179Gly]RNYNYRVVML